The following is an entry in ClinVar:

ClinVar aggregate classification (germline): Uncertain significance (1 of 4 stars; one submission).

Submission:

Labcorp Genetics (formerly Invitae), Labcorp
Classification: Uncertain significance. Last evaluated: 2022-10-07. Review status: criteria provided, single submitter. Criteria: Invitae Variant Classification Sherloc (09022015). Collection method: clinical testing. Allele origin: germline.
Comment: This variant has not been reported in the literature in individuals affected with MICAL1-related conditions. Variants that disrupt the consensus splice site are a relatively common cause of aberrant splicing (PMID: 17576681, 9536098). Algorithms developed to predict the effect of sequence changes on RNA splicing suggest that this variant may create or strengthen a splice site. In summary, the available evidence is currently insufficient to determine the role of this variant in disease. Therefore, it has been classified as a Variant of Uncertain Significance. This variant is not present in population databases (gnomAD no frequency). This sequence change falls in intron 9 of the MICAL1 gene. It does not directly change the encoded amino acid sequence of the MICAL1 protein. It affects a nucleotide within the consensus splice site.

Literature cited by the submitters: PubMed 17576681; PubMed 9536098.

NM_022765.4(MICAL1):c.1308-3C>A

Gene: MICAL1 (microtubule associated monooxygenase, calponin and LIM domain containing 1; minus strand). Cytogenetic location: 6q21.
Variant type: single nucleotide variant.
Coding change: c.1308-3C>A on transcript NM_022765.4 (MANE Select); 3 bases into the intron before coding-DNA position 1308, C replaced by A.
Molecular consequence: intron variant.
Genome position (GRCh38, 1-based): chr6:109,449,786, G>T on the plus strand (C>A on the coding strand, the complement: MICAL1 is on the minus strand). VCF-style: chr6-109449786-G-T. GRCh37 (hg19) VCF-style: chr6-109770989-G-T.
Other names: c.1365-3C>A (NM_001286613.2); c.1050-3C>A (NM_001159291.2).
Identifiers: ClinVar variation 1962695 (VCV001962695.5), dbSNP rs2482797101, ClinGen allele CA2580074771.